The following is an entry in ClinVar:

NC_000002.11:g.(?_172291088)_(172315007_?)del

Genes: DCAF17 (DDB1 and CUL4 associated factor 17; plus strand), METTL8 (methyltransferase 8, tRNA N3-cytidine; minus strand). Cytogenetic location: 2q31.1.
Variant type: Deletion.
Identifiers: ClinVar variation 3247167 (VCV003247167.1).

ClinVar aggregate classification (germline): Pathogenic (1 of 4 stars; one submission).

Conditions:
Woodhouse-Sakati syndrome. Also called: Hypogonadism, Alopecia, Diabetes Mellitus, Mental Retardation, and Extrapyramidal Syndrome; EXTRAPYRAMIDAL DISORDER, PROGRESSIVE, WITH PRIMARY HYPOGONADISM, MENTAL RETARDATION, AND ALOPECIA; Hypogonadism, diabetes mellitus, alopecia, mental retardation and electrocardiographic abnormalities. Identifiers: Orphanet 3464, MedGen C0342286, MONDO:0009419, OMIM 241080.

Submission:

Labcorp Genetics (formerly Invitae), Labcorp
Classification: Pathogenic for Woodhouse-Sakati syndrome. Last evaluated: 2023-08-11. Review status: criteria provided, single submitter. Criteria: Invitae Variant Classification Sherloc (09022015). Collection method: clinical testing. Allele origin: unknown.
Comment: This variant has not been reported in the literature in individuals affected with DCAF17-related conditions. For these reasons, this variant has been classified as Pathogenic. This variant is a gross deletion of the genomic region encompassing exon(s) 1-8 of the DCAF17 gene, which includes the initiator codon. This deletion extends beyond the assayed region for this gene and therefore may encompass additional genes. It is expected to result in an absent or disrupted protein product. Loss-of-function variants in DCAF17 are known to be pathogenic (PMID: 19026396, 20507343).

Literature cited by the submitters: PubMed 19026396; PubMed 20507343.